The following is an entry in ClinVar:

ClinVar aggregate classification (germline): Likely benign. Review status: criteria provided, single submitter (1 of 4 stars). 2 submissions from 2 submitters: Likely benign (1). 1 of the submissions does not count toward it. Last evaluated 2023-07-19.

Conditions:
MRPS23-related disorder. Also called: MRPS23-related condition.

Allele frequency attached by ClinVar (database versions not stated): gnomAD exomes 0.00001; ExAC 0.00002; gnomAD 0.00009; TOPMed 0.00014; ESP Exome Variant Server 0.00031.
gnomAD v4.1: 27 of 1,614,090 alleles (0.0017%); highest among the groups gnomAD compares: African/African-American, 0.032%; no homozygotes.

Submissions (2):

Labcorp Genetics (formerly Invitae), Labcorp
Classification: Likely benign. Last evaluated: 2023-07-19. Review status: criteria provided, single submitter. Criteria: Invitae Variant Classification Sherloc (09022015). Collection method: clinical testing. Allele origin: germline.

PreventionGenetics, part of Exact Sciences
Classification: Likely benign for MRPS23-related condition. Last evaluated: 2023-04-11. Review status: no assertion criteria provided. Collection method: clinical testing. Allele origin: germline. Not counted in ClinVar's aggregate classification.
Comment: This variant is classified as likely benign based on ACMG/AMP sequence variant interpretation guidelines (Richards et al. 2015 PMID: 25741868, with internal and published modifications).

NM_016070.4(MRPS23):c.480T>C (p.Thr160=)

Gene: MRPS23 (mitochondrial ribosomal protein S23; minus strand). Cytogenetic location: 17q22.
Variant type: single nucleotide variant.
Coding change: c.480T>C on transcript NM_016070.4 (MANE Select); coding-DNA position 480, T replaced by C.
Protein change: p.Thr160=; no amino-acid change (threonine 160 retained).
Molecular consequence: synonymous variant.
Genome position (GRCh38, 1-based): chr17:57,839,876, A>G on the plus strand (T>C on the coding strand, the complement: MRPS23 is on the minus strand). VCF-style: chr17-57839876-A-G. GRCh37 (hg19) VCF-style: chr17-55917237-A-G.
Other names: c.480T>C (NM_016070.3).
Identifiers: ClinVar variation 2721950 (VCV002721950.5), dbSNP rs373264132, ClinGen allele CA8666672.
Genomic context (GRCh38, chr17:57,839,876, plus strand): 5'-AGGTGCCTCCAAATGCTGGTCCTGTGGAACTTCTTTCTGAGTCTCGTTTTCTTCCAACGC[A>G]GTCTGTGGTCTGACACTCAAGTGTTCGGATTTCCGGGAAACGTGACTACCTCCGTGTTGC-3'
Protein context (NP_057154.2, residues 150-170): KSEHLSVRPQ[Thr160=]ALEENETQKE